The following is an entry in ClinVar:

NM_013275.6(ANKRD11):c.6787_6839del (p.Pro2263fs)

Gene: ANKRD11 (ankyrin repeat domain 11; minus strand). Cytogenetic location: 16q24.3.
Variant type: Deletion.
Coding change: c.6787_6839del on transcript NM_013275.6 (MANE Select); coding-DNA positions 6787 to 6839, 53 bases deleted.
Protein change: p.Pro2263fs; shifts the reading frame from proline 2263.
Molecular consequence: frameshift variant.
Genome position (GRCh38, 1-based): chr16:89,279,703-89,279,755, 53 bases deleted. GRCh37 (hg19): chr16:89,346,114-89,346,166.
Other names: c.6787_6839del, p.Pro2263fs (NM_001256182.2, NM_001256183.2); short protein forms P2263fs.
Identifiers: ClinVar variation 3901041 (VCV003901041.1).

ClinVar aggregate classification (germline): Likely pathogenic (1 of 4 stars; one submission).

Conditions:
KBG syndrome (KBGS). Also called: ANKRD11-Related KBG Syndrome. Identifiers: Orphanet 2332, MedGen C0220687, MONDO:0007846, OMIM 148050.

Submission:

Laboratorio de Genetica e Diagnostico Molecular, Hospital Israelita Albert Einstein
Classification: Likely pathogenic for KBG syndrome. Last evaluated: 2023-09-20. Review status: criteria provided, single submitter. Criteria: ACMG Guidelines, 2015. Collection method: clinical testing. Allele origin: germline. Affected: yes.
Comment: ACMG classification criteria: PVS1 very strong, PM2 moderate